The following is an entry in ClinVar:

ClinVar aggregate classification (germline): Likely benign. Review status: criteria provided, multiple submitters, no conflicts (2 of 4 stars). 2 submissions from 2 submitters: Likely benign (2). Last evaluated 2025-09-04.

Conditions:
Melanoma, cutaneous malignant, susceptibility to, 3. Also called: Cutaneous malignant melanoma 3. Identifiers: Orphanet 618, MedGen C1836892, MONDO:0012183, OMIM 609048.
Familial melanoma. Also called: Hereditary melanoma; Hereditary cutaneous melanoma. Identifiers: Orphanet 618, MedGen C1512419, MONDO:0018961.

Allele frequency attached by ClinVar (database versions not stated): gnomAD exomes below 0.00001.
gnomAD v4.1: 4 of 1,614,184 alleles (0.00025%); highest among the groups gnomAD compares: Middle Eastern, 0.016%; no homozygotes.

Submissions (2):

Labcorp Genetics (formerly Invitae), Labcorp
Classification: Likely benign for Familial melanoma. Last evaluated: 2025-09-04. Review status: criteria provided, single submitter. Criteria: Invitae Variant Classification Sherloc (09022015). Collection method: clinical testing. Allele origin: germline.

Myriad Genetics, Inc.
Classification: Likely benign for Melanoma, cutaneous malignant, susceptibility to, 3. Last evaluated: 2024-09-26. Review status: criteria provided, single submitter. Criteria: Myriad Autosomal Dominant, Autosomal Recessive and X-Linked Classification Criteria (2023). Collection method: clinical testing. Allele origin: unknown.
Comment: This variant is considered likely benign. This variant is intronic and is not expected to impact mRNA splicing.

NM_000075.4(CDK4):c.684-7C>T

Genes: CDK4 (cyclin dependent kinase 4; minus strand), TSPAN31 (tetraspanin 31; plus strand). Cytogenetic location: 12q14.1.
Variant type: single nucleotide variant.
Coding change: c.684-7C>T on transcript NM_000075.4 (MANE Select); 7 bases into the intron before coding-DNA position 684, C replaced by T.
Molecular consequence: intron variant. On other transcripts: 3 prime UTR variant (3).
Genome position (GRCh38, 1-based): chr12:57,749,324, G>A on the plus strand (C>T on the coding strand, the complement: CDK4 is on the minus strand). VCF-style: chr12-57749324-G-A. GRCh37 (hg19) VCF-style: chr12-58143107-G-A.
Other names: c.*2034G>A (NM_001330168.2, NM_001330169.2, NM_005981.5).
Identifiers: ClinVar variation 1426602 (VCV001426602.9), dbSNP rs1955203177, ClinGen allele CA2038992604.